The following is an entry in ClinVar:

NM_014208.3(DSPP):c.3493AGC[1] (p.Ser1166del)

Genes: DMP1-AS1 (DMP1 and DSPP antisense RNA 1; minus strand), DSPP (dentin sialophosphoprotein; plus strand). Cytogenetic location: 4q22.1.
Variant type: Microsatellite.
Coding change: c.3493AGC[1] on transcript NM_014208.3 (MANE Select); one copy of the 3-base unit AGC starting at c.3493; the reference has two copies in a row; one copy, 3 bases deleted.
Protein change: p.Ser1166del; deletes serine 1166.
Genome position (GRCh38, 1-based): chr4:87,616,158-87,616,160, AGC deleted; deleting any 3 consecutive bases within chr4:87,616,155-87,616,160 gives the same sequence; the position shown is the placement nearest the transcript's 3' end. VCF-style (leftmost placement, unchanged base first): chr4-87616154-TAGC-T. GRCh37 (hg19) VCF-style: chr4-88537306-TAGC-T.
Other names: c.3496_3498delAGC (NM_014208.3); short protein forms S1166del.
Identifiers: ClinVar variation 3769075 (VCV003769075.2).
Genomic context (GRCh38, chr4:87,616,154, plus strand): 5'-CAGTGACAGCAGTGAAAGCAGCGACAGCAGTGACAGCAGCGACAGCAGTGACAGCAGCGA[TAGC>T]AGCGACAGCAGCGACAGCAGCGATAGCAGTGACAGCAGCAATAGCAGTGATAGCAGCGAC-3'

ClinVar aggregate classification (germline): Uncertain significance (1 of 4 stars; one submission).

Submission:

Women's Health and Genetics/Laboratory Corporation of America, LabCorp
Classification: Uncertain significance. Last evaluated: 2025-01-15. Review status: criteria provided, single submitter. Criteria: LabCorp Variant Classification Summary - May 2015. Collection method: clinical testing. Allele origin: germline.
Comment: Variant summary: DSPP c.3496_3498delAGC (p.Ser1166del) results in an in-frame deletion that is predicted to remove 1 amino acid from the encoded protein. The variant was absent in 111196 control chromosomes. The available data on variant occurrences in the general population are insufficient to allow any conclusion about variant significance. To our knowledge, no occurrence of c.3496_3498delAGC in individuals affected with Dentinogenesis Imperfecta Type 2 and no experimental evidence demonstrating its impact on protein function have been reported. No submitters have cited clinical-significance assessments for this variant to ClinVar. Based on the evidence outlined above, the variant was classified as uncertain significance.